The following is an entry in ClinVar:

NM_002495.4(NDUFS4):c.438_443dup (p.Ile147_Glu148insAspIle)

Gene: NDUFS4 (NADH:ubiquinone oxidoreductase subunit S4; plus strand). Cytogenetic location: 5q11.2.
Variant type: Duplication.
Coding change: c.438_443dup on transcript NM_002495.4 (MANE Select); coding-DNA positions 438 to 443, 6 bases duplicated (CATTGA; older notation c.438_443dupCATTGA).
Protein change: p.Ile147_Glu148insAspIle.
Molecular consequence: inframe insertion. On other transcripts: no sequence alteration (1), non-coding transcript variant (3).
Genome position (GRCh38, 1-based): chr5:53,683,131-53,683,136, CATTGA duplicated; duplicating any 6 consecutive bases within chr5:53,683,128-53,683,136 gives the same sequence; the c. name uses the placement nearest the transcript's 3' end. VCF-style (leftmost placement, unchanged base first): chr5-53683127-A-ATGACAT. GRCh37 (hg19) VCF-style: chr5-52978957-A-ATGACAT.
Other names: c.*1_*6dup (NM_001318051.2).
Identifiers: ClinVar variation 2174768 (VCV002174768.1), dbSNP rs772150112, ClinGen allele CA3264333.

ClinVar aggregate classification (germline): Uncertain significance (1 of 4 stars; one submission).

Submission:

Labcorp Genetics (formerly Invitae), Labcorp
Classification: Uncertain significance. Last evaluated: 2022-05-25. Review status: criteria provided, single submitter. Criteria: Invitae Variant Classification Sherloc (09022015). Collection method: clinical testing. Allele origin: germline.
Comment: This variant, c.438_443dup, results in the insertion of 2 amino acid(s) of the NDUFS4 protein (p.Asp146_Ile147dup), but otherwise preserves the integrity of the reading frame. This variant is present in population databases (rs772150112, gnomAD 0.004%). This variant has not been reported in the literature in individuals affected with NDUFS4-related conditions. Experimental studies and prediction algorithms are not available or were not evaluated, and the functional significance of this variant is currently unknown. In summary, the available evidence is currently insufficient to determine the role of this variant in disease. Therefore, it has been classified as a Variant of Uncertain Significance.